The following is an entry in ClinVar:

ClinVar aggregate classification (germline): Benign. Review status: criteria provided, multiple submitters, no conflicts (2 of 4 stars). 2 submissions from 2 submitters: Benign (2). Last evaluated 2018-01-13.

Conditions:
Episodic ataxia type 6. Identifiers: Orphanet 209967, MedGen C2675211, MONDO:0012982, OMIM 612656.

Allele frequency attached by ClinVar (database versions not stated): gnomAD 0.17926 and 0.18236; TOPMed 0.18307; 1000 Genomes Project 30x 0.20206; 1000 Genomes Project 0.20487; gnomAD exomes 0.29717.
gnomAD v4.1: 27,886 of 152,438 alleles (18%); highest among the groups gnomAD compares: Admixed American, 29%; 3,036 homozygotes.

Submissions (2):

Illumina Laboratory Services, Illumina
Classification: Benign for Episodic ataxia type 6. Last evaluated: 2018-01-13. Review status: criteria provided, single submitter. Criteria: ICSL Variant Classification Criteria 13 December 2019. Collection method: clinical testing. Allele origin: germline.
Comment: This variant was observed in the ICSL laboratory as part of a predisposition screen in an ostensibly healthy population. It had not been previously curated by ICSL or reported in the Human Gene Mutation Database (HGMD: prior to June 1st, 2018), and was therefore a candidate for classification through an automated scoring system. Utilizing variant allele frequency, disease prevalence and penetrance estimates, and inheritance mode, an automated score was calculated to assess if this variant is too frequent to cause the disease. Based on the score and internal cut-off values, a variant classified as benign is not then subjected to further curation. The score for this variant resulted in a classification of benign for this disease.

Breakthrough Genomics
Classification: Benign. Review status: criteria provided, single submitter. Criteria: ACMG Guidelines, 2015. Collection method: not provided. Allele origin: germline. Inheritance: Autosomal dominant inheritance. Affected: yes.

NM_004172.5(SLC1A3):c.*1485C>T

Genes: SLC1A3 (solute carrier family 1 member 3; plus strand), SLC1A3-AS1 (SLC1A3 antisense RNA 1; minus strand). Cytogenetic location: 5p13.2.
Variant type: single nucleotide variant.
Coding change: c.*1485C>T on transcript NM_004172.5 (MANE Select); 1485 bases downstream of the stop codon, C replaced by T.
Molecular consequence: 3 prime UTR variant.
Genome position (GRCh38, 1-based): chr5:36,687,754, C>T. VCF-style: chr5-36687754-C-T. GRCh37 (hg19) VCF-style: chr5-36687856-C-T.
Other names: c.*1485C>T (NM_001166695.3, NM_001289939.2, NM_001289940.2).
Identifiers: ClinVar variation 353354 (VCV000353354.6), dbSNP rs2269272, ClinGen allele CA10620326.